The following is an entry in ClinVar:

ClinVar aggregate classification (germline): Uncertain significance (1 of 4 stars; one submission).

Conditions:
PCGF2-related disorder. Also called: PCGF2-related condition.

gnomAD v4.1: 5 of 1,612,466 alleles (0.00031%); highest among the groups gnomAD compares: Admixed American, 0.0083%; no homozygotes.

Submission:

PreventionGenetics, part of Exact Sciences
Classification: Uncertain significance for PCGF2-related condition. Last evaluated: 2026-02-04. Review status: criteria provided, single submitter. Criteria: ACMG Guidelines, 2015. Collection method: clinical testing. Allele origin: germline.
Comment: The PCGF2 c.93C>G variant is predicted to result in the amino acid substitution p.Ile31Met. To our knowledge, this variant has not been reported in the literature. This variant is reported in 0.0087% of alleles in individuals of Latino descent in gnomAD. At this time, the clinical significance of this variant is uncertain due to the absence of conclusive functional and genetic evidence.

NM_007144.3(PCGF2):c.93C>G (p.Ile31Met)

Gene: PCGF2 (polycomb group ring finger 2; minus strand). Cytogenetic location: 17q12.
Variant type: single nucleotide variant.
Coding change: c.93C>G on transcript NM_007144.3 (MANE Select); coding-DNA position 93, C replaced by G.
Protein change: p.Ile31Met; replaces isoleucine 31 with methionine.
Molecular consequence: missense variant.
Genome position (GRCh38, 1-based): chr17:38,740,310, G>C on the plus strand (C>G on the coding strand, the complement: PCGF2 is on the minus strand). VCF-style: chr17-38740310-G-C. GRCh37 (hg19) VCF-style: chr17-36896563-G-C.
Other names: c.93C>G, p.Ile31Met (NM_001369614.1, NM_001369615.1); short protein forms I31M.
Identifiers: ClinVar variation 5001762 (VCV005001762.1).
Genomic context (GRCh38, chr17:38,740,310, plus strand): 5'-GAGGCTGCCCACCCTGAGCAGCTCCCCTCCCCCCAACTCACAGGAATGCAGGCACTCCAC[G>C]ATAGTGGTGGCGTCGATGAAGTACCCCCCGCAGAGGGCACACATGAGGTGGGGGTTCAGC-3'
Protein context (NP_009075.1, residues 21-41): CGGYFIDATT[Ile31Met]VECLHSFCKT